The following is an entry in ClinVar:

ClinVar aggregate classification (germline): Likely benign. Review status: criteria provided, multiple submitters, no conflicts (2 of 4 stars). 2 submissions from 2 submitters: Likely benign (2). Last evaluated 2024-10-01.

Allele frequency attached by ClinVar (database versions not stated): 1000 Genomes Project 0.00060; 1000 Genomes Project 30x 0.00078; ESP Exome Variant Server 0.00085; gnomAD 0.00097 and 0.00100; TOPMed 0.00113.
gnomAD v4.1: 1,385 of 1,610,872 alleles (0.086%); highest among the groups gnomAD compares: Middle Eastern, 0.26%; 4 homozygotes.

Submissions (2):

CeGaT Center for Human Genetics Tuebingen
Classification: Likely benign. Last evaluated: 2024-10-01. Review status: criteria provided, single submitter. Criteria: CeGaT Center For Human Genetics Tuebingen Variant Classification Criteria Version 2. Collection method: clinical testing. Allele origin: germline. Affected: yes. Observed: 3 variant alleles.
Comment: GTF2IRD1: BP4, BP7

Labcorp Genetics (formerly Invitae), Labcorp
Classification: Likely benign. Last evaluated: 2019-12-31. Review status: criteria provided, single submitter. Criteria: Invitae Variant Classification Sherloc (09022015). Collection method: clinical testing. Allele origin: germline.

NM_005685.4(GTF2IRD1):c.39C>T (p.Asn13=)

Gene: GTF2IRD1 (GTF2I repeat domain containing 1; plus strand). Cytogenetic location: 7q11.23.
Variant type: single nucleotide variant.
Coding change: c.39C>T on transcript NM_005685.4 (MANE Select); coding-DNA position 39, C replaced by T.
Protein change: p.Asn13=; no amino-acid change (asparagine 13 retained).
Molecular consequence: synonymous variant.
Genome position (GRCh38, 1-based): chr7:74,508,119, C>T. VCF-style: chr7-74508119-C-T. GRCh37 (hg19) VCF-style: chr7-73922449-C-T.
Other names: c.39C>T, p.Asn13= (NM_001199207.2, NM_016328.3).
Identifiers: ClinVar variation 773212 (VCV000773212.28), dbSNP rs151198189, ClinGen allele CA4296363.
Genomic context (GRCh38, chr7:74,508,119, plus strand): 5'-TCCTCCCTCCCCACAGGCGACCATGGCCTTGCTGGGTAAGCGCTGTGACGTCCCCACCAA[C>T]GGCTGCGGACCCGACCGCTGGAACTCCGCGTTCACCCGCAAAGACGAGATCATCACCAGC-3'
Protein context (NP_005676.3, residues 3-23): LLGKRCDVPT[Asn13=]GCGPDRWNSA